The following is an entry in ClinVar:

NM_000180.4(GUCY2D):c.2209C>T (p.Gln737Ter)

Gene: GUCY2D (guanylate cyclase 2D, retinal; plus strand). Cytogenetic location: 17p13.1.
Variant type: single nucleotide variant.
Coding change: c.2209C>T on transcript NM_000180.4 (MANE Select); coding-DNA position 2209, C replaced by T.
Protein change: p.Gln737Ter; replaces glutamine 737 with a stop codon.
Molecular consequence: nonsense.
Genome position (GRCh38, 1-based): chr17:8,013,198, C>T. VCF-style: chr17-8013198-C-T. GRCh37 (hg19) VCF-style: chr17-7916516-C-T.
Other names: short protein forms Q737*.
Identifiers: ClinVar variation 1456503 (VCV001456503.6), dbSNP rs2151802829, ClinGen allele CA397952926.

ClinVar aggregate classification (germline): Pathogenic (1 of 4 stars; one submission).

Conditions:
Cone-rod dystrophy 6 (CORD6). Also called: RETINAL CONE DYSTROPHY 2; Cone dystrophy progressive. Identifiers: Orphanet 1872, MedGen C1866293, MONDO:0011143, OMIM 601777.
Leber congenital amaurosis 1 (LCA1). Also called: AMAUROSIS CONGENITA OF LEBER I; Congenital absence of the rods and cones; Leber's congenital tapetoretinal degeneration; Leber's congenital tapetoretinal dysplasia; RETINAL BLINDNESS, CONGENITAL. Identifiers: Orphanet 65, MedGen C2931258, MONDO:0008764, OMIM 204000.

Submission:

Labcorp Genetics (formerly Invitae), Labcorp
Classification: Pathogenic for Leber congenital amaurosis 1; Cone-rod dystrophy 6. Last evaluated: 2024-12-02. Review status: criteria provided, single submitter. Criteria: Invitae Variant Classification Sherloc (09022015). Collection method: clinical testing. Allele origin: germline.
Comment: This sequence change creates a premature translational stop signal (p.Gln737*) in the GUCY2D gene. It is expected to result in an absent or disrupted protein product. Loss-of-function variants in GUCY2D are known to be pathogenic (PMID: 10951519, 11328726). This variant is not present in population databases (gnomAD no frequency). This variant has not been reported in the literature in individuals affected with GUCY2D-related conditions. ClinVar contains an entry for this variant (Variation ID: 1456503). Algorithms developed to predict the effect of sequence changes on RNA splicing suggest that this variant may disrupt the consensus splice site. For these reasons, this variant has been classified as Pathogenic.

Literature cited by the submitters: PubMed 10951519; PubMed 11328726.